The following is an entry in ClinVar:

ClinVar aggregate classification (germline): Uncertain significance (1 of 4 stars; one submission).

gnomAD v4.1: 1 of 1,613,608 alleles (0.000062%); highest among the groups gnomAD compares: East Asian, 0.0022%; no homozygotes.

Submission:

CeGaT Center for Human Genetics Tuebingen
Classification: Uncertain significance. Last evaluated: 2022-05-01. Review status: criteria provided, single submitter. Criteria: CeGaT Center For Human Genetics Tuebingen Variant Classification Criteria Version 2. Collection method: clinical testing. Allele origin: germline. Affected: yes. Observed: 1 variant allele.
Comment: TBC1D32: PM2, BP4

NM_152730.6(TBC1D32):c.3677G>C (p.Arg1226Pro)

Gene: TBC1D32 (TBC1 domain family member 32; minus strand). Cytogenetic location: 6q22.31.
Variant type: single nucleotide variant.
Coding change: c.3677G>C on transcript NM_152730.6 (MANE Select); coding-DNA position 3677, G replaced by C.
Protein change: p.Arg1226Pro; replaces arginine 1226 with proline.
Molecular consequence: missense variant. On other transcripts: non-coding transcript variant (1).
Genome position (GRCh38, 1-based): chr6:121,080,868, C>G on the plus strand (G>C on the coding strand, the complement: TBC1D32 is on the minus strand). VCF-style: chr6-121080868-C-G. GRCh37 (hg19) VCF-style: chr6-121402014-C-G.
Other names: c.3800G>C, p.Arg1267Pro (NM_001367759.1, NM_001367760.1); short protein forms R1226P, R1267P.
Identifiers: ClinVar variation 1695165 (VCV001695165.31), dbSNP rs1775569164, ClinGen allele CA365557189.